The following is an entry in ClinVar:

NM_000143.4(FH):c.1157A>G (p.Gln386Arg)

Gene: FH (fumarate hydratase; minus strand). Cytogenetic location: 1q43.
Variant type: single nucleotide variant.
Coding change: c.1157A>G on transcript NM_000143.4 (MANE Select); coding-DNA position 1157, A replaced by G.
Protein change: p.Gln386Arg; replaces glutamine 386 with arginine.
Molecular consequence: missense variant.
Genome position (GRCh38, 1-based): chr1:241,502,522, T>C on the plus strand (A>G on the coding strand, the complement: FH is on the minus strand). VCF-style: chr1-241502522-T-C. GRCh37 (hg19) VCF-style: chr1-241665822-T-C.
Other names: short protein forms Q386R.
Identifiers: ClinVar variation 405939 (VCV000405939.22), dbSNP rs750447792, ClinGen allele CA16610070.

ClinVar aggregate classification (germline): Pathogenic/Likely pathogenic. Review status: criteria provided, multiple submitters, no conflicts (2 of 4 stars). 5 submissions from 5 submitters: Pathogenic (3); Likely pathogenic (2). Last evaluated 2024-03-18.

Conditions:
Hereditary cancer-predisposing syndrome. Also called: Neoplastic Syndromes, Hereditary; Hereditary Cancer Syndrome; Hereditary neoplastic syndrome; Tumor predisposition. Identifiers: Orphanet 140162, MedGen C0027672, MeSH D009386, MONDO:0015356.
Hereditary leiomyomatosis and renal cell cancer. Also called: LEIOMYOMA, MULTIPLE CUTANEOUS; MULTIPLE CUTANEOUS AND UTERINE LEIOMYOMATA 1, WITH OR WITHOUT RENAL CELL CARCINOMA; Reed syndrome; Multiple cutaneous and uterine leiomyomatosis; Cutaneous leiomyomata with uterine leiomyomata; Leiomyoma, hereditary multiple, of skin. Identifiers: Orphanet 523, MedGen C1708350, MONDO:0007888, OMIM 150800, HP:0007437. Disease mechanism: loss of function.

Submissions (5):

Ambry Genetics
Classification: Pathogenic for Hereditary cancer-predisposing syndrome. Last evaluated: 2024-03-18. Review status: criteria provided, single submitter. Criteria: Ambry Variant Classification Scheme 2023. Collection method: clinical testing. Allele origin: germline.
Comment: The p.Q386R pathogenic mutation (also known as c.1157A>G), located in coding exon 8 of the FH gene, results from an A to G substitution at nucleotide position 1157. The glutamine at codon 386 is replaced by arginine, an amino acid with highly similar properties. This alteration has been detected in multiple individuals and families with HLRCC-associated features, several with loss of FH staining by immunohistochemistry (IHC) in associated tissues (Gardie B et al. J Med Genet, 2011 Apr;48:226-34; Llamas-Velasco M et al. J Cutan Pathol, 2014 Nov;41:859-65; Muller M et al. Clin Genet, 2017 Dec;92:606-615; Lau HD et al. Am J Surg Pathol, 2020 01;44:98-110; Ambry internal data). This variant is considered to be rare based on population cohorts in the Genome Aggregation Database (gnomAD). This amino acid position is highly conserved in available vertebrate species. In addition, this alteration is predicted to be deleterious by in silico analysis. Based on the supporting evidence, this alteration is interpreted as a disease-causing mutation.

Myriad Genetics, Inc.
Classification: Pathogenic for Hereditary leiomyomatosis and renal cell cancer. Last evaluated: 2024-01-17. Review status: criteria provided, single submitter. Criteria: Myriad Autosomal Dominant, Autosomal Recessive and X-Linked Classification Criteria (2023). Collection method: clinical testing. Allele origin: unknown.
Comment: This variant is considered pathogenic. This variant has been reported in multiple individuals with clinical features of gene-specific disease [PMID: 33789101, 31524643, 25292446, 21398687, 28300276]. Functional studies indicate this variant impacts protein function [PMID: 21398687, 25292446, 27097334]. This variant is expected to disrupt protein structure [Myriad internal data].

Laboratory for Molecular Medicine, Mass General Brigham Personalized Medicine
Classification: Likely pathogenic for Hereditary leiomyomatosis and renal cell cancer. Last evaluated: 2022-11-03. Review status: criteria provided, single submitter. Criteria: ACMG Guidelines, 2015. Collection method: clinical testing. Allele origin: germline.
Comment: The p.Gln386Arg (historically referred to as Gln343Arg) variant in FH has been reported in at least 3 individuals with hereditary leiomyomatosis and renal cell cancer (HLRCC) and segregated with disease in >5 relatives (Gardie 2011 PubMed: 21398687; Muller 2017 PubMed: 28300276). It was also observed in ClinVar (Variation ID 405939) but absent in gnomAD. Computational prediction tools and conservation analysis suggest that this variant may impact the protein, though this information is not predictive enough to determine pathogenicity. Studies on patient blood samples or derived cell lines demonstrate reduced FH activity (Gardie 2011 PubMed: 21398687; Muller 2017,PubMed: 28300276). In summary, this variant meets criteria to be classified as likely pathogenic for autosomal dominant HLRCC. ACMG/AMP Criteria applied: PS4_Moderate, PP1_Moderate, PM2_Supporting, PP3, PP4.

Labcorp Genetics (formerly Invitae), Labcorp
Classification: Pathogenic. Last evaluated: 2022-07-13. Review status: criteria provided, single submitter. Criteria: Invitae Variant Classification Sherloc (09022015). Collection method: clinical testing. Allele origin: germline.
Comment: For these reasons, this variant has been classified as Pathogenic. Experimental studies have shown that this missense change affects FH function (PMID: 21398687). Advanced modeling of protein sequence and biophysical properties (such as structural, functional, and spatial information, amino acid conservation, physicochemical variation, residue mobility, and thermodynamic stability) performed at Invitae indicates that this missense variant is expected to disrupt FH protein function. ClinVar contains an entry for this variant (Variation ID: 405939). This variant is also known as c.1028A>G (p.Gln343Arg). This missense change has been observed in individual(s) with a personal and family history of hereditary leiomyomatosis and renal cell cancer (HLRCC) and hereditary leiomyomatosis and renal cell cancer (HLRCC) (PMID: 21398687, 25292446). This variant is not present in population databases (gnomAD no frequency). This sequence change replaces glutamine, which is neutral and polar, with arginine, which is basic and polar, at codon 386 of the FH protein (p.Gln386Arg).

GeneDx
Classification: Likely pathogenic. Last evaluated: 2021-04-15. Review status: criteria provided, single submitter. Criteria: GeneDx Variant Classification Process June 2021. Collection method: clinical testing. Allele origin: germline. Affected: yes.
Comment: Not observed in large population cohorts (Lek et al., 2016); In silico analysis supports that this missense variant has a deleterious effect on protein structure/function; Also known as p.Gln343Arg; This variant is associated with the following publications: (PMID: 31524643, 21398687, 27097334, 28300276, 27161211, 29655270, 25292446)

Literature cited by the submitters: PubMed 21398687 (cited by 3 submitters); PubMed 25292446 (cited by 3 submitters); PubMed 28300276 (cited by Ambry Genetics and Myriad Genetics, Inc.); PubMed 31524643 (cited by Ambry Genetics and Myriad Genetics, Inc.); PubMed 33789101 (cited by Myriad Genetics, Inc.); PubMed 27097334 (cited by Myriad Genetics, Inc.).